The following is an entry in ClinVar:

ClinVar aggregate classification (germline): Uncertain significance (1 of 4 stars; one submission).

Conditions:
Renal cell carcinoma. Identifiers: Orphanet 217071, MedGen C0007134, MeSH D002292, MONDO:0005086, HP:0005584.

Allele frequency attached by ClinVar (database versions not stated): gnomAD exomes below 0.00001.
gnomAD v4.1: 1 of 1,614,124 alleles (0.000062%); highest among the groups gnomAD compares: Non-Finnish European, 0.000085%; no homozygotes.

Submission:

Labcorp Genetics (formerly Invitae), Labcorp
Classification: Uncertain significance for Renal cell carcinoma. Last evaluated: 2025-12-15. Review status: criteria provided, single submitter. Criteria: Invitae Variant Classification Sherloc (09022015). Collection method: clinical testing. Allele origin: germline.
Comment: This sequence change replaces valine, which is neutral and non-polar, with isoleucine, which is neutral and non-polar, at codon 1101 of the MET protein (p.Val1101Ile). This variant is not present in population databases (gnomAD no frequency). This variant has not been reported in the literature in individuals affected with MET-related conditions. ClinVar contains an entry for this variant (Variation ID: 998832). Invitae Evidence Modeling of protein sequence and biophysical properties (such as structural, functional, and spatial information, amino acid conservation, physicochemical variation, residue mobility, and thermodynamic stability) indicates that this missense variant is not expected to disrupt MET protein function with a negative predictive value of 80%. In summary, the available evidence is currently insufficient to determine the role of this variant in disease. Therefore, it has been classified as a Variant of Uncertain Significance.

NM_000245.4(MET):c.3247G>A (p.Val1083Ile)

Gene: MET (MET proto-oncogene, receptor tyrosine kinase; plus strand). Cytogenetic location: 7q31.2.
Variant type: single nucleotide variant.
Coding change: c.3247G>A on transcript NM_000245.4 (MANE Select); coding-DNA position 3247, G replaced by A.
Protein change: p.Val1083Ile; replaces valine 1083 with isoleucine.
Molecular consequence: missense variant.
Genome position (GRCh38, 1-based): chr7:116,775,099, G>A. VCF-style: chr7-116775099-G-A. GRCh37 (hg19) VCF-style: chr7-116415153-G-A.
Other names: c.3301G>A, p.Val1101Ile (NM_001127500.3); c.1957G>A, p.Val653Ile (NM_001324402.2); short protein forms V1083I, V1101I, V653I.
Identifiers: ClinVar variation 998832 (VCV000998832.8), dbSNP rs1794955378, ClinGen allele CA368988820.